The following is an entry in ClinVar:

NM_007103.4(NDUFV1):c.1010T>C (p.Met337Thr)

Gene: NDUFV1 (NADH:ubiquinone oxidoreductase core subunit V1; plus strand). Cytogenetic location: 11q13.2.
Variant type: single nucleotide variant.
Coding change: c.1010T>C on transcript NM_007103.4 (MANE Select); coding-DNA position 1010, T replaced by C.
Protein change: p.Met337Thr; replaces methionine 337 with threonine.
Molecular consequence: missense variant.
Genome position (GRCh38, 1-based): chr11:67,611,499, T>C. VCF-style: chr11-67611499-T-C. GRCh37 (hg19) VCF-style: chr11-67378970-T-C.
Other names: c.983T>C, p.Met328Thr (NM_001166102.2); short protein forms M328T, M337T.
Identifiers: ClinVar variation 1411703 (VCV001411703.3), dbSNP rs762888988, ClinGen allele CA6143360.
Genomic context (GRCh38, chr11:67,611,499, plus strand): 5'-TGATCCCTGGCGGCTCGTCTACCCCACTGATCCCCAAGTCTGTGTGTGAGACGGTGCTGA[T>C]GGACTTCGATGCGCTGGTGCAGGCACAGACAGGCCTGGGCACAGCTGCGGTGATCGTCAT-3'
Protein context (NP_009034.2, residues 327-347): IPKSVCETVL[Met337Thr]DFDALVQAQT

ClinVar aggregate classification (germline): Uncertain significance (1 of 4 stars; one submission).

Allele frequency attached by ClinVar (database versions not stated): gnomAD exomes below 0.00001; ExAC 0.00001; TOPMed 0.00001.
gnomAD v4.1: 1 of 1,613,846 alleles (0.000062%); no homozygotes.

Submission:

Labcorp Genetics (formerly Invitae), Labcorp
Classification: Uncertain significance. Last evaluated: 2022-07-05. Review status: criteria provided, single submitter. Criteria: Invitae Variant Classification Sherloc (09022015). Collection method: clinical testing. Allele origin: germline.
Comment: This sequence change replaces methionine, which is neutral and non-polar, with threonine, which is neutral and polar, at codon 337 of the NDUFV1 protein (p.Met337Thr). This variant is present in population databases (rs762888988, gnomAD 0.006%). This variant has not been reported in the literature in individuals affected with NDUFV1-related conditions. ClinVar contains an entry for this variant (Variation ID: 1411703). Advanced modeling of protein sequence and biophysical properties (such as structural, functional, and spatial information, amino acid conservation, physicochemical variation, residue mobility, and thermodynamic stability) performed at Invitae indicates that this missense variant is expected to disrupt NDUFV1 protein function. In summary, the available evidence is currently insufficient to determine the role of this variant in disease. Therefore, it has been classified as a Variant of Uncertain Significance.